The following is an entry in ClinVar:

NC_000014.8:g.(?_76437449)_(76438081_?)del

Gene: TGFB3 (transforming growth factor beta 3; minus strand). Cytogenetic location: 14q24.3.
Variant type: Deletion.
Identifiers: ClinVar variation 1007433 (VCV001007433.45).

ClinVar aggregate classification (germline): Uncertain significance (1 of 4 stars; one submission).

Conditions:
Rienhoff syndrome. Also called: LOEYS-DIETZ SYNDROME 5. Identifiers: MedGen C3810012, MONDO:0014262, OMIM 615582.

Submission:

Labcorp Genetics (formerly Invitae), Labcorp
Classification: Uncertain significance for Rienhoff syndrome. Last evaluated: 2022-07-26. Review status: criteria provided, single submitter. Criteria: Invitae Variant Classification Sherloc (09022015). Collection method: clinical testing. Allele origin: germline.
Comment: In summary, the available evidence is currently insufficient to determine the role of this variant in disease. Therefore, it has been classified as a Variant of Uncertain Significance. Experimental studies and prediction algorithms are not available or were not evaluated, and the functional significance of this variant is currently unknown. This variant has not been reported in the literature in individuals affected with TGFB3-related conditions. This variant is a gross deletion of the genomic region encompassing exon(s) 2-3 of the TGFB3 gene. This variant would be expected to be in-frame, preserving the integrity of the reading frame.